The following is an entry in ClinVar:

NM_001042492.3(NF1):c.6982G>T (p.Val2328Phe)

Gene: NF1 (neurofibromin 1; plus strand). Cytogenetic location: 17q11.2.
Variant type: single nucleotide variant.
Coding change: c.6982G>T on transcript NM_001042492.3 (MANE Select); coding-DNA position 6982, G replaced by T.
Protein change: p.Val2328Phe; replaces valine 2328 with phenylalanine.
Molecular consequence: missense variant.
Genome position (GRCh38, 1-based): chr17:31,340,565, G>T. VCF-style: chr17-31340565-G-T. GRCh37 (hg19) VCF-style: chr17-29667583-G-T.
Other names: c.6919G>T, p.Val2307Phe (NM_000267.4); short protein forms V2328F, V2307F.
Identifiers: ClinVar variation 4706986 (VCV004706986.1).

ClinVar aggregate classification (germline): Uncertain significance (1 of 4 stars; one submission).

Conditions:
Neurofibromatosis, type 1 (NF1). Also called: VON RECKLINGHAUSEN DISEASE; Peripheral type neurofibromatosis; NEUROFIBROMATOSIS, TYPE I, SOMATIC; Neurofibromatosis, type I. Identifiers: Orphanet 636, MedGen C0027831, MONDO:0018975, OMIM 162200. Disease mechanism: loss of function.

Submission:

Labcorp Genetics (formerly Invitae), Labcorp
Classification: Uncertain significance for Neurofibromatosis, type 1. Last evaluated: 2025-07-22. Review status: criteria provided, single submitter. Criteria: Invitae Variant Classification Sherloc (09022015). Collection method: clinical testing. Allele origin: germline.
Comment: This sequence change replaces valine, which is neutral and non-polar, with phenylalanine, which is neutral and non-polar, at codon 2307 of the NF1 protein (p.Val2307Phe). This variant is not present in population databases (gnomAD no frequency). This variant has not been reported in the literature in individuals affected with NF1-related conditions. Invitae Evidence Modeling of protein sequence and biophysical properties (such as structural, functional, and spatial information, amino acid conservation, physicochemical variation, residue mobility, and thermodynamic stability) indicates that this missense variant is not expected to disrupt NF1 protein function with a negative predictive value of 95%. In summary, the available evidence is currently insufficient to determine the role of this variant in disease. Therefore, it has been classified as a Variant of Uncertain Significance.